The following is an entry in ClinVar:

NM_006269.2(RP1):c.3322A>G (p.Met1108Val)

Gene: RP1 (RP1 axonemal microtubule associated; plus strand). Cytogenetic location: 8q12.1.
Variant type: single nucleotide variant.
Coding change: c.3322A>G on transcript NM_006269.2 (MANE Select); coding-DNA position 3322, A replaced by G.
Protein change: p.Met1108Val; replaces methionine 1108 with valine.
Molecular consequence: missense variant. On other transcripts: intron variant (1).
Genome position (GRCh38, 1-based): chr8:54,627,204, A>G. VCF-style: chr8-54627204-A-G. GRCh37 (hg19) VCF-style: chr8-55539764-A-G.
Other names: c.787+4916A>G (NM_001375654.1); short protein forms M1108V.
Identifiers: ClinVar variation 2973916 (VCV002973916.3), dbSNP rs2536578743, ClinGen allele CA370996117.

ClinVar aggregate classification (germline): Uncertain significance (1 of 4 stars; one submission).

Allele frequency attached by ClinVar (database versions not stated): gnomAD exomes 0.00001.

Submission:

Labcorp Genetics (formerly Invitae), Labcorp
Classification: Uncertain significance. Last evaluated: 2023-03-17. Review status: criteria provided, single submitter. Criteria: Invitae Variant Classification Sherloc (09022015). Collection method: clinical testing. Allele origin: germline.
Comment: This sequence change replaces methionine, which is neutral and non-polar, with valine, which is neutral and non-polar, at codon 1108 of the RP1 protein (p.Met1108Val). This variant is not present in population databases (gnomAD no frequency). This variant has not been reported in the literature in individuals affected with RP1-related conditions. Algorithms developed to predict the effect of missense changes on protein structure and function output the following: SIFT: "Not Available"; PolyPhen-2: "Benign"; Align-GVGD: "Not Available". The valine amino acid residue is found in multiple mammalian species, which suggests that this missense change does not adversely affect protein function. In summary, the available evidence is currently insufficient to determine the role of this variant in disease. Therefore, it has been classified as a Variant of Uncertain Significance.